The following is an entry in ClinVar:

NM_000540.3(RYR1):c.3131C>T (p.Thr1044Ile)

Gene: RYR1 (ryanodine receptor 1; plus strand). Cytogenetic location: 19q13.2.
Variant type: single nucleotide variant.
Coding change: c.3131C>T on transcript NM_000540.3 (MANE Select); coding-DNA position 3131, C replaced by T.
Protein change: p.Thr1044Ile; replaces threonine 1044 with isoleucine.
Molecular consequence: missense variant.
Genome position (GRCh38, 1-based): chr19:38,466,351, C>T. VCF-style: chr19-38466351-C-T. GRCh37 (hg19) VCF-style: chr19-38956991-C-T.
Other names: c.3131C>T, p.Thr1044Ile (NM_001042723.2); short protein forms T1044I.
Identifiers: ClinVar variation 1973154 (VCV001973154.4), dbSNP rs766797277, ClinGen allele CA405635760.
Genomic context (GRCh38, chr19:38,466,351, plus strand): 5'-GCCTGCTGGATGAAGCCACCAAGCGCAGCAACCGGGACAGCCTCTGCCAGGCCGTGCGCA[C>T]CCTCCTGGGCTACGGCTACAACATCGAGCCTCCTGACCAGGAGCCCAGTGAGTGCTCACC-3'
Protein context (NP_000531.2, residues 1034-1054): NRDSLCQAVR[Thr1044Ile]LLGYGYNIEP

ClinVar aggregate classification (germline): Uncertain significance. Review status: criteria provided, multiple submitters, no conflicts (2 of 4 stars). 2 submissions from 2 submitters: Uncertain significance (2). Last evaluated 2025-04-28.

Conditions:
RYR1-related disorder. Also called: RYR1-related condition; RYR1-related disorders. Identifiers: MedGen CN239331.

gnomAD v4.1: 1 of 1,586,348 alleles (0.000063%); highest among the groups gnomAD compares: South Asian, 0.0011%; no homozygotes.

Submissions (2):

Labcorp Genetics (formerly Invitae), Labcorp
Classification: Uncertain significance for RYR1-related disorder. Last evaluated: 2025-04-28. Review status: criteria provided, single submitter. Criteria: Invitae Variant Classification Sherloc (09022015). Collection method: clinical testing. Allele origin: germline.
Comment: This sequence change replaces threonine, which is neutral and polar, with isoleucine, which is neutral and non-polar, at codon 1044 of the RYR1 protein (p.Thr1044Ile). This variant is not present in population databases (gnomAD no frequency). This variant has not been reported in the literature in individuals affected with RYR1-related conditions. ClinVar contains an entry for this variant (Variation ID: 1973154). Invitae Evidence Modeling of protein sequence and biophysical properties (such as structural, functional, and spatial information, amino acid conservation, physicochemical variation, residue mobility, and thermodynamic stability) indicates that this missense variant is expected to disrupt RYR1 protein function with a positive predictive value of 95%. In summary, the available evidence is currently insufficient to determine the role of this variant in disease. Therefore, it has been classified as a Variant of Uncertain Significance.

GeneDx
Classification: Uncertain significance. Last evaluated: 2022-07-27. Review status: criteria provided, single submitter. Criteria: GeneDx Variant Classification Process June 2021. Collection method: clinical testing. Allele origin: germline. Affected: yes.
Comment: Not observed at significant frequency in large population cohorts (gnomAD); In silico analysis supports that this missense variant has a deleterious effect on protein structure/function; Has not been previously published as pathogenic or benign to our knowledge